The following is an entry in ClinVar:

ClinVar aggregate classification (germline): Uncertain significance (1 of 4 stars; one submission).

Submission:

GeneDx
Classification: Uncertain significance. Last evaluated: 2024-09-24. Review status: criteria provided, single submitter. Criteria: GeneDx Variant Classification Process June 2021. Collection method: clinical testing. Allele origin: germline. Affected: yes.
Comment: Not observed at significant frequency in large population cohorts (gnomAD); In silico analysis supports that this missense variant has a deleterious effect on protein structure/function; Has not been previously published as pathogenic or benign to our knowledge

NM_001039591.3(USP9X):c.6335T>C (p.Val2112Ala)

Gene: USP9X (ubiquitin specific peptidase 9 X-linked; plus strand). Cytogenetic location: Xp11.4.
Variant type: single nucleotide variant.
Coding change: c.6335T>C on transcript NM_001039591.3 (MANE Select); coding-DNA position 6335, T replaced by C.
Protein change: p.Val2112Ala; replaces valine 2112 with alanine.
Molecular consequence: missense variant.
Genome position (GRCh38, 1-based): chrX:41,218,497, T>C. VCF-style: chrX-41218497-T-C. GRCh37 (hg19) VCF-style: chrX-41077750-T-C.
Other names: c.6335T>C, p.Val2112Ala (NM_001039590.3); c.6350T>C, p.Val2117Ala (NM_001410748.1, NM_001410749.1); short protein forms V2112A, V2117A.
Identifiers: ClinVar variation 3773898 (VCV003773898.1).
Genomic context (GRCh38, chrX:41,218,497, plus strand): 5'-TCCTTTTTAATGTTTCAAATCGCTTCTCCGAATACCTTCTGGAGTGCCCTAGTGCAGAAG[T>C]GAGGGGTGCGTTTGCAAAACTTATAGTCTTTATTGCACATTTTTCCTTGCAAGATGGGCC-3'
Protein context (NP_001034680.2, residues 2102-2122): EYLLECPSAE[Val2112Ala]RGAFAKLIVF